The following is an entry in ClinVar:

NM_206933.4(USH2A):c.8642C>G (p.Ser2881Ter)

Gene: USH2A (usherin; minus strand). Cytogenetic location: 1q41.
Variant type: single nucleotide variant.
Coding change: c.8642C>G on transcript NM_206933.4 (MANE Select); coding-DNA position 8642, C replaced by G.
Protein change: p.Ser2881Ter; replaces serine 2881 with a stop codon.
Molecular consequence: nonsense.
Genome position (GRCh38, 1-based): chr1:215,877,797, G>C on the plus strand (C>G on the coding strand, the complement: USH2A is on the minus strand). VCF-style: chr1-215877797-G-C. GRCh37 (hg19) VCF-style: chr1-216051139-G-C.
Other names: c.8642C>G (NM_206933.2); short protein forms S2881*.
Identifiers: ClinVar variation 1069938 (VCV001069938.8), dbSNP rs2102450707, ClinGen allele CA344829162.

ClinVar aggregate classification (germline): Pathogenic/Likely pathogenic. Review status: criteria provided, multiple submitters, no conflicts (2 of 4 stars). 2 submissions from 2 submitters: Pathogenic (1); Likely pathogenic (1). Last evaluated 2026-09-25.

Conditions:
USH2A-related disorder. Also called: USH2A-related disorders; USH2A-related condition. Identifiers: MedGen CN239332.

Submissions (2):

PreventionGenetics, part of Exact Sciences
Classification: Likely pathogenic for USH2A-related condition. Last evaluated: 2026-09-25. Review status: criteria provided, single submitter. Criteria: ACMG Guidelines, 2015. Collection method: clinical testing. Allele origin: germline.
Comment: The USH2A c.8642C>G variant is predicted to result in premature protein termination (p.Ser2881*). To our knowledge, this variant has not been reported in the literature or in a large population database (gnomAD), indicating this variant is rare. Nonsense variants in USH2A are expected to be pathogenic. This variant is interpreted as likely pathogenic.

Labcorp Genetics (formerly Invitae), Labcorp
Classification: Pathogenic. Last evaluated: 2022-11-16. Review status: criteria provided, single submitter. Criteria: Invitae Variant Classification Sherloc (09022015). Collection method: clinical testing. Allele origin: germline.
Comment: For these reasons, this variant has been classified as Pathogenic. ClinVar contains an entry for this variant (Variation ID: 1069938). This variant has not been reported in the literature in individuals affected with USH2A-related conditions. This variant is not present in population databases (gnomAD no frequency). This sequence change creates a premature translational stop signal (p.Ser2881*) in the USH2A gene. It is expected to result in an absent or disrupted protein product. Loss-of-function variants in USH2A are known to be pathogenic (PMID: 10729113, 10909849, 20507924, 25649381).

Literature cited by the submitters: PubMed 10729113 (cited by Labcorp Genetics (formerly Invitae), Labcorp); PubMed 10909849 (cited by Labcorp Genetics (formerly Invitae), Labcorp); PubMed 20507924 (cited by Labcorp Genetics (formerly Invitae), Labcorp); PubMed 25649381 (cited by Labcorp Genetics (formerly Invitae), Labcorp).